The following is an entry in ClinVar:

ClinVar aggregate classification (germline): Likely benign. Review status: criteria provided, multiple submitters, no conflicts (2 of 4 stars). 2 submissions from 2 submitters: Likely benign (2). Last evaluated 2026-01-22.

Conditions:
ATL3-related disorder. Also called: ATL3-related condition.
Neuropathy, hereditary sensory, type 1F. Also called: HSN IF; Hereditary sensory neuropathy type IF. Identifiers: Orphanet 36386, MedGen C3810194, MONDO:0014286, OMIM 615632.

Allele frequency attached by ClinVar (database versions not stated): TOPMed below 0.00001; gnomAD 0.00001; gnomAD exomes 0.00001.
gnomAD v4.1: 8 of 1,601,174 alleles (0.0005%); highest among the groups gnomAD compares: Non-Finnish European, 0.00068%; no homozygotes.

Submissions (2):

PreventionGenetics, part of Exact Sciences
Classification: Likely benign for ATL3-related condition. Last evaluated: 2026-01-22. Review status: criteria provided, single submitter. Criteria: ACMG Guidelines, 2015. Collection method: clinical testing. Allele origin: germline.
Comment: This variant is classified as likely benign based on ACMG/AMP sequence variant interpretation guidelines (Richards et al. 2015 PMID: 25741868, with internal and published modifications).

Labcorp Genetics (formerly Invitae), Labcorp
Classification: Likely benign for Neuropathy, hereditary sensory, type 1F. Last evaluated: 2023-12-05. Review status: criteria provided, single submitter. Criteria: Invitae Variant Classification Sherloc (09022015). Collection method: clinical testing. Allele origin: germline.

NM_015459.5(ATL3):c.850+8C>A

Genes: ATL3 (atlastin GTPase 3; minus strand), LNCROPM (lncRNA regulator of PLAAT3 mediated phospholipid metabolism; plus strand). Cytogenetic location: 11q13.1.
Variant type: single nucleotide variant.
Coding change: c.850+8C>A on transcript NM_015459.5 (MANE Select); 8 bases into the intron after coding-DNA position 850, C replaced by A.
Molecular consequence: intron variant.
Genome position (GRCh38, 1-based): chr11:63,643,349, G>T on the plus strand (C>A on the coding strand, the complement: ATL3 is on the minus strand). VCF-style: chr11-63643349-G-T. GRCh37 (hg19) VCF-style: chr11-63410821-G-T.
Other names: c.796+8C>A (NM_001290048.2).
Identifiers: ClinVar variation 751217 (VCV000751217.10), dbSNP rs1156816750, ClinGen allele CA599601232.